The following is an entry in ClinVar:

ClinVar aggregate classification (germline): Uncertain significance. Review status: criteria provided, multiple submitters, no conflicts (2 of 4 stars). 2 submissions from 2 submitters: Uncertain significance (2). Last evaluated 2024-06-15.

Conditions:
Hypertrophic cardiomyopathy. Also called: HYPERTROPHIC MYOCARDIOPATHY. Identifiers: Orphanet 217569, MedGen C0007194, MeSH D002312, MONDO:0005045, HP:0001639.

gnomAD v4.1: 4 of 1,613,774 alleles (0.00025%); highest among the groups gnomAD compares: African/African-American, 0.0053%; no homozygotes.

Submissions (2):

Ambry Genetics
Classification: Uncertain significance. Last evaluated: 2024-06-15. Review status: criteria provided, single submitter. Criteria: Ambry Variant Classification Scheme 2023. Collection method: clinical testing. Allele origin: germline.
Comment: The p.S707P variant (also known as c.2119T>C), located in coding exon 14 of the MYOM1 gene, results from a T to C substitution at nucleotide position 2119. The serine at codon 707 is replaced by proline, an amino acid with similar properties. This amino acid position is conserved. In addition, this alteration is predicted to be deleterious by in silico analysis. Based on the available evidence, the clinical significance of this variant remains unclear.

Labcorp Genetics (formerly Invitae), Labcorp
Classification: Uncertain significance for Hypertrophic cardiomyopathy. Last evaluated: 2024-05-22. Review status: criteria provided, single submitter. Criteria: Invitae Variant Classification Sherloc (09022015). Collection method: clinical testing. Allele origin: germline.
Comment: This sequence change replaces serine, which is neutral and polar, with proline, which is neutral and non-polar, at codon 707 of the MYOM1 protein (p.Ser707Pro). This variant is present in population databases (no rsID available, gnomAD 0.01%). This variant has not been reported in the literature in individuals affected with MYOM1-related conditions. Advanced modeling of protein sequence and biophysical properties (such as structural, functional, and spatial information, amino acid conservation, physicochemical variation, residue mobility, and thermodynamic stability) has been performed at Invitae for this missense variant, however the output from this modeling did not meet the statistical confidence thresholds required to predict the impact of this variant on MYOM1 protein function. In summary, the available evidence is currently insufficient to determine the role of this variant in disease. Therefore, it has been classified as a Variant of Uncertain Significance.

NM_003803.4(MYOM1):c.2119T>C (p.Ser707Pro)

Gene: MYOM1 (myomesin 1; minus strand). Cytogenetic location: 18p11.31.
Variant type: single nucleotide variant.
Coding change: c.2119T>C on transcript NM_003803.4 (MANE Select); coding-DNA position 2119, T replaced by C.
Protein change: p.Ser707Pro; replaces serine 707 with proline.
Molecular consequence: missense variant.
Genome position (GRCh38, 1-based): chr18:3,135,637, A>G on the plus strand (T>C on the coding strand, the complement: MYOM1 is on the minus strand). VCF-style: chr18-3135637-A-G. GRCh37 (hg19) VCF-style: chr18-3135635-A-G.
Other names: c.2119T>C, p.Ser707Pro (NM_019856.2); short protein forms S707P.
Identifiers: ClinVar variation 3298015 (VCV003298015.3).